The following is an entry in ClinVar:

ClinVar aggregate classification (germline): Uncertain significance. Review status: criteria provided, multiple submitters, no conflicts (2 of 4 stars). 2 submissions from 2 submitters: Uncertain significance (2). Last evaluated 2025-09-08.

Conditions:
VCAN-related disorder. Also called: VCAN-related condition.

Allele frequency attached by ClinVar (database versions not stated): gnomAD exomes 0.00001; TOPMed 0.00001; ExAC 0.00002.
gnomAD v4.1: 4 of 1,613,918 alleles (0.00025%); highest among the groups gnomAD compares: Non-Finnish European, 0.00025%; no homozygotes.

Submissions (2):

PreventionGenetics, part of Exact Sciences
Classification: Uncertain significance for VCAN-related condition. Last evaluated: 2025-09-08. Review status: criteria provided, single submitter. Criteria: ACMG Guidelines, 2015. Collection method: clinical testing. Allele origin: germline.
Comment: The VCAN c.8561T>C variant is predicted to result in the amino acid substitution p.Val2854Ala. To our knowledge, this variant has not been reported in the literature. This variant is reported in 0.0018% of alleles in individuals of European (Non-Finnish) descent in gnomAD. At this time, the clinical significance of this variant is uncertain due to the absence of conclusive functional and genetic evidence.

Labcorp Genetics (formerly Invitae), Labcorp
Classification: Uncertain significance. Last evaluated: 2022-06-29. Review status: criteria provided, single submitter. Criteria: Invitae Variant Classification Sherloc (09022015). Collection method: clinical testing. Allele origin: germline.
Comment: In summary, the available evidence is currently insufficient to determine the role of this variant in disease. Therefore, it has been classified as a Variant of Uncertain Significance. Algorithms developed to predict the effect of missense changes on protein structure and function output the following: SIFT: "Tolerated"; PolyPhen-2: "Benign"; Align-GVGD: "Class C0". The alanine amino acid residue is found in multiple mammalian species, which suggests that this missense change does not adversely affect protein function. This variant has not been reported in the literature in individuals affected with VCAN-related conditions. This variant is present in population databases (rs771479305, gnomAD 0.002%). This sequence change replaces valine, which is neutral and non-polar, with alanine, which is neutral and non-polar, at codon 2854 of the VCAN protein (p.Val2854Ala).

NM_004385.5(VCAN):c.8561T>C (p.Val2854Ala)

Genes: VCAN (versican; plus strand), VCAN-AS1 (VCAN antisense RNA 1; minus strand). Cytogenetic location: 5q14.3.
Variant type: single nucleotide variant.
Coding change: c.8561T>C on transcript NM_004385.5 (MANE Select); coding-DNA position 8561, T replaced by C.
Protein change: p.Val2854Ala; replaces valine 2854 with alanine.
Molecular consequence: missense variant. On other transcripts: intron variant (2).
Genome position (GRCh38, 1-based): chr5:83,541,564, T>C. VCF-style: chr5-83541564-T-C. GRCh37 (hg19) VCF-style: chr5-82837383-T-C.
Other names: c.8561T>C (NM_004385.4); c.5600T>C, p.Val1867Ala (NM_001164097.2); c.4004-3973T>C (NM_001164098.2); c.1043-3973T>C (NM_001126336.3); short protein forms V1867A, V2854A.
Identifiers: ClinVar variation 1916188 (VCV001916188.6), dbSNP rs771479305, ClinGen allele CA3333829.